The following is an entry in ClinVar:

NM_001197104.2(KMT2A):c.7004C>T (p.Ala2335Val)

Gene: KMT2A (lysine methyltransferase 2A; plus strand). Cytogenetic location: 11q23.3.
Variant type: single nucleotide variant.
Coding change: c.7004C>T on transcript NM_001197104.2 (MANE Select); coding-DNA position 7004, C replaced by T.
Protein change: p.Ala2335Val; replaces alanine 2335 with valine.
Molecular consequence: missense variant.
Genome position (GRCh38, 1-based): chr11:118,502,896, C>T. VCF-style: chr11-118502896-C-T. GRCh37 (hg19) VCF-style: chr11-118373611-C-T.
Other names: c.6995C>T, p.Ala2332Val (NM_005933.4); short protein forms A2332V, A2335V.
Identifiers: ClinVar variation 1199444 (VCV001199444.10), dbSNP rs188435877, ClinGen allele CA6304340.

ClinVar aggregate classification (germline): Conflicting classifications of pathogenicity. Review status: criteria provided, conflicting classifications (1 of 4 stars). 4 submissions from 4 submitters: Uncertain significance (2); Likely benign (2). Last evaluated 2026-06-19.

Conditions:
Inborn genetic diseases. Identifiers: MedGen C0950123, MeSH D030342.

Allele frequency attached by ClinVar (database versions not stated): gnomAD exomes 0.00001; ExAC 0.00002; gnomAD 0.00004; TOPMed 0.00008; 1000 Genomes Project 0.00020; 1000 Genomes Project 30x 0.00031.
gnomAD v4.1: 13 of 1,614,136 alleles (0.00081%); highest among the groups gnomAD compares: Admixed American, 0.013%; no homozygotes.

Submissions (4):

Women's Health and Genetics/Laboratory Corporation of America, LabCorp
Classification: Uncertain significance. Last evaluated: 2026-06-19. Review status: criteria provided, single submitter. Criteria: LabCorp Variant Classification Summary - May 2015. Collection method: clinical testing. Allele origin: germline.
Comment: Variant summary: KMT2A c.7004C>T (p.Ala2335Val) results in a non-conservative amino acid change in the encoded protein sequence. Algorithms developed to predict the effect of missense changes on protein structure and function are either unavailable or do not agree on the potential impact of this missense change. The variant allele was found at a frequency of 8e-06 in 251324 control chromosomes. The available data on variant occurrences in the general population are insufficient to allow any conclusion about variant significance. To our knowledge, no occurrence of c.7004C>T in individuals affected with KMT2A-related conditions and no experimental evidence demonstrating its impact on protein function have been reported. ClinVar contains an entry for this variant (Variation ID: 1199444). Based on the evidence outlined above, the variant was classified as uncertain significance.

Labcorp Genetics (formerly Invitae), Labcorp
Classification: Uncertain significance. Last evaluated: 2025-12-10. Review status: criteria provided, single submitter. Criteria: Invitae Variant Classification Sherloc (09022015). Collection method: clinical testing. Allele origin: germline.
Comment: This sequence change replaces alanine, which is neutral and non-polar, with valine, which is neutral and non-polar, at codon 2335 of the KMT2A protein (p.Ala2335Val). This variant is present in population databases (rs188435877, gnomAD 0.009%). This variant has not been reported in the literature in individuals affected with KMT2A-related conditions. ClinVar contains an entry for this variant (Variation ID: 1199444). Invitae Evidence Modeling of protein sequence and biophysical properties (such as structural, functional, and spatial information, amino acid conservation, physicochemical variation, residue mobility, and thermodynamic stability) indicates that this missense variant is not expected to disrupt KMT2A protein function with a negative predictive value of 95%. In summary, the available evidence is currently insufficient to determine the role of this variant in disease. Therefore, it has been classified as a Variant of Uncertain Significance.

Ambry Genetics
Classification: Likely benign for Inborn genetic diseases. Last evaluated: 2025-02-26. Review status: criteria provided, single submitter. Criteria: Ambry Variant Classification Scheme 2023. Collection method: clinical testing. Allele origin: germline.

GeneDx
Classification: Likely benign. Last evaluated: 2020-10-05. Review status: criteria provided, single submitter. Criteria: GeneDx Variant Classification Process June 2021. Collection method: clinical testing. Allele origin: germline. Affected: yes.